The following is an entry in ClinVar:

ClinVar aggregate classification (germline): Likely benign. Review status: criteria provided, multiple submitters, no conflicts (2 of 4 stars). 2 submissions from 2 submitters: Likely benign (2). Last evaluated 2024-11-01.

Allele frequency attached by ClinVar (database versions not stated): TOPMed 0.00018; gnomAD 0.00025; ExAC 0.00036.
gnomAD v4.1: 484 of 1,550,496 alleles (0.031%); highest among the groups gnomAD compares: South Asian, 0.086%; no homozygotes.

Submissions (2):

CeGaT Center for Human Genetics Tuebingen
Classification: Likely benign. Last evaluated: 2024-11-01. Review status: criteria provided, single submitter. Criteria: CeGaT Center For Human Genetics Tuebingen Variant Classification Criteria Version 2. Collection method: clinical testing. Allele origin: germline. Affected: yes. Observed: 4 variant alleles.
Comment: MBD5: BP4, BP7

Blueprint Genetics
Classification: Likely benign. Last evaluated: 2022-03-11. Review status: criteria provided, single submitter. Criteria: ACMG Guidelines, 2015. Collection method: clinical testing. Allele origin: germline.

NM_001378120.1(MBD5):c.3288G>A (p.Ser1096=)

Gene: MBD5 (methyl-CpG binding domain protein 5; plus strand). Cytogenetic location: 2q23.1.
Variant type: single nucleotide variant.
Coding change: c.3288G>A on transcript NM_001378120.1 (MANE Select); coding-DNA position 3288, G replaced by A.
Protein change: p.Ser1096=; no amino-acid change (serine 1096 retained).
Molecular consequence: synonymous variant. On other transcripts: intron variant (1).
Genome position (GRCh38, 1-based): chr2:148,483,879, G>A. VCF-style: chr2-148483879-G-A. GRCh37 (hg19) VCF-style: chr2-149241448-G-A.
Other names: c.2845+443G>A (NM_018328.5).
Identifiers: ClinVar variation 2578867 (VCV002578867.26), dbSNP rs568615665, ClinGen allele CA1900264.
Genomic context (GRCh38, chr2:148,483,879, plus strand): 5'-CAATGGGGCCTCAGGATTAATGACCTTGAATCCCCAGCTGTTGGGAGGTGTCCTGAACTC[G>A]GCATCGGCCAACACCGCTAATCATCCAGAGGTTTCCATAGCAACCTCCTCCCAGGCAACC-3'
Protein context (NP_001365049.1, residues 1086-1106): NPQLLGGVLN[Ser1096=]ASANTANHPE